The following is an entry in ClinVar:

ClinVar aggregate classification (germline): Uncertain significance. Review status: criteria provided, multiple submitters, no conflicts (2 of 4 stars). 2 submissions from 2 submitters: Uncertain significance (2). Last evaluated 2025-11-05.

Conditions:
Early-infantile DEE. Also called: Early infantile epileptic encephalopathy; Ohtahara syndrome; Early infantile epileptic encephalopathy with suppression bursts. Identifiers: Orphanet 1934, MedGen C0393706, MONDO:0800491.
Inborn genetic diseases. Identifiers: MedGen C0950123, MeSH D030342.

Allele frequency attached by ClinVar (database versions not stated): gnomAD 0.00001; ESP Exome Variant Server 0.00008; ExAC 0.00001; gnomAD exomes 0.00001; TOPMed 0.00001.
gnomAD v4.1: 14 of 1,614,048 alleles (0.00087%); highest among the groups gnomAD compares: Middle Eastern, 0.016%; no homozygotes.

Submissions (2):

Ambry Genetics
Classification: Uncertain significance for Inborn genetic diseases. Last evaluated: 2025-11-05. Review status: criteria provided, single submitter. Criteria: Ambry Variant Classification Scheme 2023. Collection method: clinical testing. Allele origin: germline.

Labcorp Genetics (formerly Invitae), Labcorp
Classification: Uncertain significance for Early-infantile DEE. Last evaluated: 2024-01-10. Review status: criteria provided, single submitter. Criteria: Invitae Variant Classification Sherloc (09022015). Collection method: clinical testing. Allele origin: germline.
Comment: This sequence change replaces glutamine, which is neutral and polar, with glutamic acid, which is acidic and polar, at codon 2035 of the SPTAN1 protein (p.Gln2035Glu). This variant is present in population databases (rs145129059, gnomAD 0.004%). This variant has not been reported in the literature in individuals affected with SPTAN1-related conditions. Advanced modeling of protein sequence and biophysical properties (such as structural, functional, and spatial information, amino acid conservation, physicochemical variation, residue mobility, and thermodynamic stability) has been performed at Invitae for this missense variant, however the output from this modeling did not meet the statistical confidence thresholds required to predict the impact of this variant on SPTAN1 protein function. In summary, the available evidence is currently insufficient to determine the role of this variant in disease. Therefore, it has been classified as a Variant of Uncertain Significance.

NM_001130438.3(SPTAN1):c.6103C>G (p.Gln2035Glu)

Gene: SPTAN1 (spectrin alpha, non-erythrocytic 1; plus strand). Cytogenetic location: 9q34.11.
Variant type: single nucleotide variant.
Coding change: c.6103C>G on transcript NM_001130438.3 (MANE Select); coding-DNA position 6103, C replaced by G.
Protein change: p.Gln2035Glu; replaces glutamine 2035 with glutamic acid.
Molecular consequence: missense variant.
Genome position (GRCh38, 1-based): chr9:128,625,802, C>G. VCF-style: chr9-128625802-C-G. GRCh37 (hg19) VCF-style: chr9-131388081-C-G.
Other names: c.6043C>G, p.Gln2015Glu (NM_001375314.2, NM_001363765.2); c.6139C>G, p.Gln2047Glu (NM_001375318.1, NM_001375312.2); c.6088C>G, p.Gln2030Glu (NM_003127.4); c.6028C>G, p.Gln2010Glu (NM_001195532.2); c.6103C>G, p.Gln2035Glu (NM_001363759.2, NM_001375310.1, NM_001375311.2 and 1 more transcripts); c.6103C>G (NM_001130438.2); short protein forms Q2010E, Q2030E, Q2015E, Q2035E, Q2047E.
Identifiers: ClinVar variation 2901012 (VCV002901012.4), dbSNP rs145129059, ClinGen allele CA5265645.